The following is an entry in ClinVar:

NM_003919.3(SGCE):c.660G>C (p.Glu220Asp)

Genes: CASD1 (CAS1 domain sialic acid O acetyltransferase 1; plus strand), SGCE (sarcoglycan epsilon; minus strand). Cytogenetic location: 7q21.3.
Variant type: single nucleotide variant.
Coding change: c.660G>C on transcript NM_003919.3 (MANE Select); coding-DNA position 660, G replaced by C.
Protein change: p.Glu220Asp; replaces glutamic acid 220 with aspartic acid.
Molecular consequence: missense variant.
Genome position (GRCh38, 1-based): chr7:94,618,760, C>G on the plus strand (G>C on the coding strand, the complement: SGCE is on the minus strand). VCF-style: chr7-94618760-C-G. GRCh37 (hg19) VCF-style: chr7-94248072-C-G.
Other names: c.660G>C, p.Glu220Asp (NM_001099400.2, NM_001099401.2, NM_001346717.2); c.537G>C, p.Glu179Asp (NM_001301139.2, NM_001362809.2); c.768G>C, p.Glu256Asp (NM_001346713.2, NM_001346715.2); c.573G>C, p.Glu191Asp (NM_001346719.2, NM_001362807.2); c.387G>C, p.Glu129Asp (NM_001346720.2, NM_001362808.2); short protein forms E179D, E220D, E256D, E129D, E191D.
Identifiers: ClinVar variation 3681569 (VCV003681569.2).

ClinVar aggregate classification (germline): Uncertain significance (1 of 4 stars; one submission).

Conditions:
Myoclonic dystonia 11 (DYT11). Also called: Myoclonic dystonia; Dystonia 11; Dystonia, alcohol responsive; Hereditary essential myoclonus; SGCE Myoclonus-Dystonia; Myoclonus-Dystonia. Identifiers: Orphanet 36899, MedGen C1834570, MONDO:0008044, OMIM 159900.

gnomAD v4.1: 2 of 1,612,860 alleles (0.00012%); highest among the groups gnomAD compares: African/African-American, 0.0027%; no homozygotes.

Submission:

Labcorp Genetics (formerly Invitae), Labcorp
Classification: Uncertain significance for Myoclonic dystonia 11. Last evaluated: 2024-07-23. Review status: criteria provided, single submitter. Criteria: Invitae Variant Classification Sherloc (09022015). Collection method: clinical testing. Allele origin: germline.
Comment: This sequence change replaces glutamic acid, which is acidic and polar, with aspartic acid, which is acidic and polar, at codon 220 of the SGCE protein (p.Glu220Asp). This variant is not present in population databases (gnomAD no frequency). This variant has not been reported in the literature in individuals affected with SGCE-related conditions. An algorithm developed to predict the effect of missense changes on protein structure and function (PolyPhen-2) suggests that this variant is likely to be disruptive. In summary, the available evidence is currently insufficient to determine the role of this variant in disease. Therefore, it has been classified as a Variant of Uncertain Significance.